The following is an entry in ClinVar:

ClinVar aggregate classification (germline): Likely benign (1 of 4 stars; one submission).

Allele frequency attached by ClinVar (database versions not stated): gnomAD exomes 0.00001; ExAC 0.00002.
gnomAD v4.1: 9 of 1,604,742 alleles (0.00056%); highest among the groups gnomAD compares: South Asian, 0.0089%; no homozygotes.

Submission:

CeGaT Center for Human Genetics Tuebingen
Classification: Likely benign. Last evaluated: 2022-11-01. Review status: criteria provided, single submitter. Criteria: CeGaT Center For Human Genetics Tuebingen Variant Classification Criteria Version 2. Collection method: clinical testing. Allele origin: germline. Affected: yes. Observed: 1 variant allele.
Comment: SEMA6B: BP4, BP7

NM_032108.4(SEMA6B):c.951G>A (p.Arg317=)

Gene: SEMA6B (semaphorin 6B; minus strand). Cytogenetic location: 19p13.3.
Variant type: single nucleotide variant.
Coding change: c.951G>A on transcript NM_032108.4 (MANE Select); coding-DNA position 951, G replaced by A.
Protein change: p.Arg317=; no amino-acid change (arginine 317 retained).
Molecular consequence: synonymous variant.
Genome position (GRCh38, 1-based): chr19:4,552,460, C>T on the plus strand (G>A on the coding strand, the complement: SEMA6B is on the minus strand). VCF-style: chr19-4552460-C-T. GRCh37 (hg19) VCF-style: chr19-4552472-C-T.
Identifiers: ClinVar variation 2649075 (VCV002649075.24), dbSNP rs751583522, ClinGen allele CA9102679.